The following is an entry in ClinVar:

NM_000444.6(PHEX):c.1344del (p.Asp448fs)

Gene: PHEX (phosphate regulating endopeptidase X-linked; plus strand). Cytogenetic location: Xp22.11.
Variant type: Deletion.
Coding change: c.1344del on transcript NM_000444.6 (MANE Select); coding-DNA position 1344, one base deleted (C; older notation c.1344delC).
Protein change: p.Asp448fs; shifts the reading frame from aspartic acid 448.
Molecular consequence: frameshift variant.
Genome position (GRCh38, 1-based): chrX:22,133,564, C deleted. VCF-style (leftmost placement, unchanged base first): chrX-22133563-AC-A. GRCh37 (hg19) VCF-style: chrX-22151680-AC-A.
Other names: c.1344del, p.Asp448fs (NM_001282754.2); short protein forms D448fs.
Identifiers: ClinVar variation 2792492 (VCV002792492.3), dbSNP rs2518548157, ClinGen allele CA2739268139.
Genomic context (GRCh38, chrX:22,133,563, plus strand): 5'-CTTTGGGTATTTTCTTGTAGATGGAGGAATTGGTTGAGGGCGTTCGCTGGGCCTTTATTG[AC>A]ATGCTAGAGAAAGAAAATGAGTGGATGGATGCAGGAACGAAAAGGAAAGCCAAAGAAAAG-3'

ClinVar aggregate classification (germline): Pathogenic (1 of 4 stars; one submission).

Submission:

Labcorp Genetics (formerly Invitae), Labcorp
Classification: Pathogenic. Last evaluated: 2022-05-12. Review status: criteria provided, single submitter. Criteria: Invitae Variant Classification Sherloc (09022015). Collection method: clinical testing. Allele origin: germline.
Comment: This sequence change creates a premature translational stop signal (p.Asp448Glufs*3) in the PHEX gene. It is expected to result in an absent or disrupted protein product. Loss-of-function variants in PHEX are known to be pathogenic (PMID: 9097956, 9106524, 19219621). For these reasons, this variant has been classified as Pathogenic. This variant has not been reported in the literature in individuals affected with PHEX-related conditions. This variant is not present in population databases (gnomAD no frequency).

Literature cited by the submitters: PubMed 9097956; PubMed 9106524; PubMed 19219621.